The following is an entry in ClinVar:

NM_001387283.1(SMARCA4):c.4259C>T (p.Ala1420Val)

Gene: SMARCA4 (SWI/SNF related BAF chromatin remodeling complex subunit ATPase 4; plus strand). Cytogenetic location: 19p13.2.
Variant type: single nucleotide variant.
Coding change: c.4259C>T on transcript NM_001387283.1 (MANE Plus Clinical); coding-DNA position 4259, C replaced by T.
Protein change: p.Ala1420Val; replaces alanine 1420 with valine.
Molecular consequence: missense variant. On other transcripts: intron variant (7).
Genome position (GRCh38, 1-based): chr19:11,039,546, C>T. VCF-style: chr19-11039546-C-T. GRCh37 (hg19) VCF-style: chr19-11150222-C-T.
Other names: c.4259C>T, p.Ala1420Val (NM_001128849.3); c.4171-1761C>T (NM_001128844.3, NM_003072.5); c.4072-1761C>T (NM_001128847.4, NM_001374457.1, NM_001128848.2); c.4072-1752C>T (NM_001128845.2, NM_001128846.2); short protein forms A1420V.
Identifiers: ClinVar variation 408691 (VCV000408691.13), dbSNP rs200525458, ClinGen allele CA9204644.
Genomic context (GRCh38, chr19:11,039,546, plus strand): 5'-CAGCCAGCAGTGTGGCACGTGGGCTACAATTCCAGCGTGGCCTTCAGTTCTGCACACGTG[C>T]GTCAAAGGTGGGGAGAGTTCTGGTGGTGGGTGGCGCTGAGGGCTGCACAACACTGGGGAC-3'
Protein context (NP_001374212.1, residues 1410-1430): FQRGLQFCTR[Ala1420Val]SKAIEEGTLE

ClinVar aggregate classification (germline): Conflicting classifications of pathogenicity. Review status: criteria provided, conflicting classifications (1 of 4 stars). 2 submissions from 2 submitters: Uncertain significance (1); Likely benign (1). Last evaluated 2025-11-17.

Conditions:
Hereditary cancer-predisposing syndrome. Also called: Hereditary Cancer Syndrome; Hereditary neoplastic syndrome; Neoplastic Syndromes, Hereditary; Tumor predisposition. Identifiers: Orphanet 140162, MedGen C0027672, MeSH D009386, MONDO:0015356.
Rhabdoid tumor predisposition syndrome 2 (RTPS2). Identifiers: Orphanet 231108, Orphanet 69077, MedGen C2750074, MONDO:0013224, OMIM 613325.

Allele frequency attached by ClinVar (database versions not stated): TOPMed 0.00001; ESP Exome Variant Server 0.00010.
gnomAD v4.1: 24 of 1,593,736 alleles (0.0015%); highest among the groups gnomAD compares: Non-Finnish European, 0.0018%; no homozygotes.

Submissions (2):

Labcorp Genetics (formerly Invitae), Labcorp
Classification: Uncertain significance for Rhabdoid tumor predisposition syndrome 2. Last evaluated: 2025-11-17. Review status: criteria provided, single submitter. Criteria: Invitae Variant Classification Sherloc (09022015). Collection method: clinical testing. Allele origin: germline.
Comment: This sequence change replaces alanine, which is neutral and non-polar, with valine, which is neutral and non-polar, at codon 1420 of the SMARCA4 protein (p.Ala1420Val). The frequency data for this variant in the population databases is considered unreliable, as metrics indicate poor data quality at this position in the gnomAD database. This variant has not been reported in the literature in individuals affected with SMARCA4-related conditions. ClinVar contains an entry for this variant (Variation ID: 408691). An algorithm developed to predict the effect of missense changes on protein structure and function (PolyPhen-2) suggests that this variant is likely to be tolerated. In summary, the available evidence is currently insufficient to determine the role of this variant in disease. Therefore, it has been classified as a Variant of Uncertain Significance.

Ambry Genetics
Classification: Likely benign for Hereditary cancer-predisposing syndrome. Last evaluated: 2023-07-05. Review status: criteria provided, single submitter. Criteria: Ambry Variant Classification Scheme 2023. Collection method: clinical testing. Allele origin: germline.